The following is an entry in ClinVar:

NM_052947.4(ALPK2):c.1159G>T (p.Val387Leu)

Genes: ALPK2 (alpha kinase 2; minus strand), LOC114803473 (ALPK2 eExon liver enhancer; plus strand). Cytogenetic location: 18q21.31.
Variant type: single nucleotide variant.
Coding change: c.1159G>T on transcript NM_052947.4 (MANE Select); coding-DNA position 1159, G replaced by T.
Protein change: p.Val387Leu; replaces valine 387 with leucine.
Molecular consequence: missense variant.
Genome position (GRCh38, 1-based): chr18:58,579,617, C>A on the plus strand (G>T on the coding strand, the complement: ALPK2 is on the minus strand). VCF-style: chr18-58579617-C-A. GRCh37 (hg19) VCF-style: chr18-56246849-C-A.
Other names: short protein forms V387L.
Identifiers: ClinVar variation 3289899 (VCV003289899.1).

ClinVar aggregate classification (germline): Uncertain significance (1 of 4 stars; one submission).

gnomAD v4.1: 2 of 1,613,780 alleles (0.00012%); highest among the groups gnomAD compares: African/African-American, 0.0027%; no homozygotes.

Submission:

Ambry Genetics
Classification: Uncertain significance. Last evaluated: 2024-03-28. Review status: criteria provided, single submitter. Criteria: Ambry Variant Classification Scheme 2023. Collection method: clinical testing. Allele origin: germline.
Comment: The p.V387L variant (also known as c.1159G>T), located in coding exon 3 of the ALPK2 gene, results from a G to T substitution at nucleotide position 1159. The valine at codon 387 is replaced by leucine, an amino acid with highly similar properties. This amino acid position is conserved. In addition, this alteration is predicted to be tolerated by in silico analysis. Based on the available evidence, the clinical significance of this alteration remains unclear.